The following is an entry in ClinVar:

ClinVar aggregate classification (germline): Pathogenic (1 of 4 stars; one submission).

Conditions:
TH-deficient dopa-responsive dystonia. Also called: Segawa syndrome, autosomal recessive; Tyrosine Hydroxylase-Deficient Dopa-Responsive Dystonia; DYT-TH. Identifiers: Orphanet 101150, MedGen C2673535, MONDO:0011551, OMIM 605407.

Submission:

Myriad Genetics, Inc.
Classification: Pathogenic for TH-deficient dopa-responsive dystonia. Last evaluated: 2026-05-04. Review status: criteria provided, single submitter. Criteria: Myriad Autosomal Dominant, Autosomal Recessive and X-Linked Classification Criteria (2023). Collection method: clinical testing. Allele origin: unknown.
Comment: NM_199292.2(TH):c.528_529insG(S177Efs*41) is expected to be pathogenic in the context of tyrosine hydroxylase deficiency. This variant is predicted to lead to an abnormal or absent protein product due to the creation of a premature termination codon in TH, a gene where loss-of-function variants are known to be pathogenic. Please note: this variant was assessed in the context of healthy population screening.

NM_000360.4(TH):c.435_436insG (p.Ser146fs)

Gene: TH (tyrosine hydroxylase; minus strand). Cytogenetic location: 11p15.5.
Variant type: Insertion.
Coding change: c.435_436insG on transcript NM_000360.4 (MANE Select); coding-DNA positions 435 to 436, G inserted.
Protein change: p.Ser146fs; shifts the reading frame from serine 146.
Molecular consequence: frameshift variant.
Genome position: GRCh38 VCF-style: chr11-2168542-T-TC. GRCh37 (hg19) VCF-style: chr11-2189772-T-TC.
Other names: c.447_448insG, p.Ser150fs (NM_001440535.1, NM_001440536.1); c.435_436insG, p.Ser146fs (NM_001440537.1); c.528_529insG, p.Ser177fs (NM_199292.3); c.516_517insG, p.Ser173fs (NM_199293.3); short protein forms S146fs, S150fs, S173fs, S177fs.
Identifiers: ClinVar variation 5015872 (VCV005015872.1).